The following is an entry in ClinVar:

ClinVar aggregate classification (germline): Uncertain significance. Review status: criteria provided, multiple submitters, no conflicts (2 of 4 stars). 2 submissions from 2 submitters: Uncertain significance (2). Last evaluated 2025-02-19.

Conditions:
Hereditary cancer-predisposing syndrome. Also called: Tumor predisposition; Hereditary neoplastic syndrome; Neoplastic Syndromes, Hereditary; Hereditary Cancer Syndrome. Identifiers: Orphanet 140162, MedGen C0027672, MeSH D009386, MONDO:0015356.
Gorlin syndrome. Also called: Nevoid Basal Cell Carcinoma Syndrome; Basal cell nevus syndrome. Identifiers: Orphanet 377, MedGen C0004779, MONDO:0007187.

Allele frequency attached by ClinVar (database versions not stated): TOPMed below 0.00001.
gnomAD v4.1: 2 of 1,614,242 alleles (0.00012%); highest among the groups gnomAD compares: Non-Finnish European, 0.00017%; no homozygotes.

Submissions (2):

Labcorp Genetics (formerly Invitae), Labcorp
Classification: Uncertain significance for Gorlin syndrome. Last evaluated: 2025-02-19. Review status: criteria provided, single submitter. Criteria: Invitae Variant Classification Sherloc (09022015). Collection method: clinical testing. Allele origin: germline.
Comment: This sequence change replaces serine, which is neutral and polar, with asparagine, which is neutral and polar, at codon 1008 of the PTCH1 protein (p.Ser1008Asn). This variant is not present in population databases (gnomAD no frequency). This variant has not been reported in the literature in individuals affected with PTCH1-related conditions. ClinVar contains an entry for this variant (Variation ID: 1495673). Invitae Evidence Modeling of protein sequence and biophysical properties (such as structural, functional, and spatial information, amino acid conservation, physicochemical variation, residue mobility, and thermodynamic stability) indicates that this missense variant is not expected to disrupt PTCH1 protein function with a negative predictive value of 95%. In summary, the available evidence is currently insufficient to determine the role of this variant in disease. Therefore, it has been classified as a Variant of Uncertain Significance.

Ambry Genetics
Classification: Uncertain significance for Hereditary cancer-predisposing syndrome. Last evaluated: 2024-08-05. Review status: criteria provided, single submitter. Criteria: Ambry Variant Classification Scheme 2023. Collection method: clinical testing. Allele origin: germline.
Comment: The p.S1008N variant (also known as c.3023G>A), located in coding exon 18 of the PTCH1 gene, results from a G to A substitution at nucleotide position 3023. The serine at codon 1008 is replaced by asparagine, an amino acid with highly similar properties. This amino acid position is highly conserved in available vertebrate species. In addition, this alteration is predicted to be tolerated by in silico analysis. Based on the available evidence, the clinical significance of this variant remains unclear.

NM_000264.5(PTCH1):c.3023G>A (p.Ser1008Asn)

Gene: PTCH1 (patched 1; minus strand). Cytogenetic location: 9q22.32.
Variant type: single nucleotide variant.
Coding change: c.3023G>A on transcript NM_000264.5 (MANE Select); coding-DNA position 3023, G replaced by A.
Protein change: p.Ser1008Asn; replaces serine 1008 with asparagine.
Molecular consequence: missense variant. On other transcripts: non-coding transcript variant (1).
Genome position (GRCh38, 1-based): chr9:95,458,158, C>T on the plus strand (G>A on the coding strand, the complement: PTCH1 is on the minus strand). VCF-style: chr9-95458158-C-T. GRCh37 (hg19) VCF-style: chr9-98220440-C-T.
Other names: c.2825G>A, p.Ser942Asn (NM_001083602.3); c.3020G>A, p.Ser1007Asn (NM_001083603.3); c.2570G>A, p.Ser857Asn (NM_001083604.3, NM_001083605.3, NM_001083606.3 and 1 more transcripts); c.2867G>A, p.Ser956Asn (NM_001354918.2); c.3023G>A (NM_000264.3); short protein forms S942N, S956N, S1007N, S1008N, S857N.
Identifiers: ClinVar variation 1495673 (VCV001495673.9), dbSNP rs1286123273, ClinGen allele CA374112560.